The following is an entry in ClinVar:

NM_001368894.2(PAX6):c.1309dup (p.Ter437LeuextTer?)

Genes: ELP4 (elongator acetyltransferase complex subunit 4; plus strand), PAX6 (paired box 6; minus strand). Cytogenetic location: 11p13.
Variant type: Duplication.
Coding change: c.1309dup on transcript NM_001368894.2 (MANE Select); coding-DNA position 1309, one base duplicated (T; older notation c.1309dupT).
Protein change: p.Ter437LeuextTer?.
Molecular consequence: frameshift variant, stop lost. On other transcripts: 3 prime UTR variant (3), nonsense (9), non-coding transcript variant (2).
Genome position (GRCh38, 1-based): chr11:31,789,936, A duplicated on the plus strand (T on the coding strand, the reverse complement: PAX6 is on the minus strand). VCF-style (leftmost placement, unchanged base first): chr11-31789935-T-TA. GRCh37 (hg19) VCF-style: chr11-31811483-T-TA.
Other names: c.*6398dup (NM_001288725.2); c.*6507dup (NM_001288726.2); c.*6412dup (NM_019040.5); c.1267dup, p.Ter423LeuextTer? (NM_000280.6, NM_001127612.3, NM_001258464.2 and 6 more transcripts); c.1309dup, p.Ter437LeuextTer? (NM_001258462.3, NM_001258463.2, NM_001310158.2 and 3 more transcripts); c.859dup, p.Ter287LeuextTer? (NM_001310160.2, NM_001310161.3, NM_001368899.2 and 10 more transcripts); c.1510dup, p.Ter504LeuextTer? (NM_001368910.2); c.1161dup, p.Lys388Ter (NM_001368911.2); and 10 more; short protein forms K387*, K388*, K237*, K320*, K373*.
Identifiers: ClinVar variation 692032 (VCV000692032.4), dbSNP rs1592348310, ClinGen allele CA915948021.

ClinVar aggregate classification (germline): Pathogenic. Review status: criteria provided, multiple submitters, no conflicts (2 of 4 stars). 3 submissions from 3 submitters: Pathogenic (2). 1 of the submissions does not count toward it. Last evaluated 2026-04-02.

Conditions:
Aniridia 1 (AN1). Identifiers: Orphanet 250923, MedGen C0344542, MONDO:0024507, OMIM 106210.
PAX6-related disorder. Also called: PAX6-related disorders; PAX6-related condition.

Submissions (3):

PreventionGenetics, part of Exact Sciences
Classification: Pathogenic for PAX6-related condition. Last evaluated: 2026-04-02. Review status: criteria provided, single submitter. Criteria: ACMG Guidelines, 2015. Collection method: clinical testing. Allele origin: germline.
Comment: The PAX6 c.1309dupT variant is predicted to result in extension of the open reading frame (p.*437Leuext*36). This variant can also be denoted c.1267dupT (p.*423Leuext*36) in transcript NM_000280.4. This variant has been reported in individuals with aniridia (reported as c1629-1630insT, Baum et al. 1999. PubMed ID: 10477494; Hood et al. 2015. PubMed ID: 25555363). This variant is absent in a large population database (gnomAD), indicating this variant is rare. C-terminal extension variants in PAX6 are an established mechanism of disease (Chao et al. 2003. PubMed ID: 12552561; Lima Cunha et al. 2019. PubMed ID: 31861090). This variant is interpreted as pathogenic.

Rady Children's Institute for Genomic Medicine, Rady Children's Hospital San Diego
Classification: Pathogenic for ANIRIDIA 1. Last evaluated: 2018-06-28. Review status: criteria provided, single submitter. Criteria: ACMG Guidelines, 2015. Collection method: clinical testing. Allele origin: germline. Affected: yes. Observed: 1 variant allele.
Comment: This frameshifting variant is found in the stop codon and is expected to extend the protein by 36 amino acids. This variant has been previously reported as a heterozygous change in patients with aniridia (PMID: 10477494, 25555363). It is absent from the ExAC and gnomAD population databases and thus is presumed to be rare. Analysis of the parental samples was negative for the variant, indicating this variant likely occurred as a de novo event. Based on the available evidence, the c.1309dupT (p.Ter437LeufsTer37) variant is classified as pathogenic.

GeneReviews
No classification provided. Condition: Aniridia 1. Review status: no classification provided. Collection method: literature only. Allele origin: germline. Not counted in ClinVar's aggregate classification.

Literature cited by the submitters: PubMed 19218613 (cited by GeneReviews); PubMed 27381094 (cited by GeneReviews).